The following is an entry in ClinVar:

ClinVar aggregate classification (germline): Uncertain significance (1 of 4 stars; one submission).

Conditions:
RASopathy. Also called: rasopathies; Noonan spectrum disorder. Identifiers: Orphanet 536391, MedGen C5555857, MONDO:0021060.

Submission:

Labcorp Genetics (formerly Invitae), Labcorp
Classification: Uncertain significance for RASopathy. Last evaluated: 2024-10-04. Review status: criteria provided, single submitter. Criteria: Invitae Variant Classification Sherloc (09022015). Collection method: clinical testing. Allele origin: germline.
Comment: This sequence change replaces proline, which is neutral and non-polar, with serine, which is neutral and polar, at codon 510 of the CBL protein (p.Pro510Ser). This variant is not present in population databases (gnomAD no frequency). This variant has not been reported in the literature in individuals affected with CBL-related conditions. Invitae Evidence Modeling of protein sequence and biophysical properties (such as structural, functional, and spatial information, amino acid conservation, physicochemical variation, residue mobility, and thermodynamic stability) indicates that this missense variant is not expected to disrupt CBL protein function with a negative predictive value of 95%. In summary, the available evidence is currently insufficient to determine the role of this variant in disease. Therefore, it has been classified as a Variant of Uncertain Significance.

NM_005188.4(CBL):c.1528C>T (p.Pro510Ser)

Gene: CBL (Cbl proto-oncogene; plus strand). Cytogenetic location: 11q23.3.
Variant type: single nucleotide variant.
Coding change: c.1528C>T on transcript NM_005188.4 (MANE Select); coding-DNA position 1528, C replaced by T.
Protein change: p.Pro510Ser; replaces proline 510 with serine.
Molecular consequence: missense variant.
Genome position (GRCh38, 1-based): chr11:119,285,065, C>T. VCF-style: chr11-119285065-C-T. GRCh37 (hg19) VCF-style: chr11-119155775-C-T.
Other names: short protein forms P510S.
Identifiers: ClinVar variation 3634394 (VCV003634394.2).